The following is an entry in ClinVar:

ClinVar aggregate classification (germline): Uncertain significance (1 of 4 stars; one submission).

Conditions:
Prostate cancer, hereditary, 1 (HPC1). Identifiers: Orphanet 1331, MedGen C4722327, MONDO:0011098, OMIM 601518.

Submission:

KCCC/NGS Laboratory, Kuwait Cancer Control Center
Classification: Uncertain significance for Prostate cancer, hereditary, 1. Last evaluated: 2023-07-07. Review status: criteria provided, single submitter. Criteria: ACMG Guidelines, 2015. Collection method: clinical testing. Allele origin: unknown. Affected: yes.
Comment: This variant results in a change from valine to methionine at codon 531. This variant was not identified in the literature nor was it identified in ClinVar or Cosmic. In-silico predictions show Pathogenic computational verdict based on 8 pathogenic predictions from DANN, EIGEN, FATHMM-MKL, M-CAP, MutationAssessor, MutationTaster, PolyPhen and SIFT vs 5 benign predictions from BayesDel_addAF, DEOGEN2, LIST-S2, MVP and PrimateAI. The variant occurs outside of the splicing consensus sequence and in silico or computational prediction software programs (SpliceSiteFinder, MaxEntScan, NNSPLICE, GeneSplicer) do not predict a difference in splicing. In summary, based on the above information the clinical significance of this variant cannot be determined with certainty at this time. Therefore, this variant is classified as a variant of uncertain

NM_021133.4(RNASEL):c.1591G>A (p.Val531Met)

Gene: RNASEL (ribonuclease L; minus strand). Cytogenetic location: 1q25.3.
Variant type: single nucleotide variant.
Coding change: c.1591G>A on transcript NM_021133.4 (MANE Select); coding-DNA position 1591, G replaced by A.
Protein change: p.Val531Met; replaces valine 531 with methionine.
Molecular consequence: missense variant.
Genome position (GRCh38, 1-based): chr1:182,582,234, C>T on the plus strand (G>A on the coding strand, the complement: RNASEL is on the minus strand). VCF-style: chr1-182582234-C-T. GRCh37 (hg19) VCF-style: chr1-182551369-C-T.
Other names: short protein forms V531M.
Identifiers: ClinVar variation 2573176 (VCV002573176.1), dbSNP rs2526826050, ClinGen allele CA343651231.